The following is an entry in ClinVar:

ClinVar aggregate classification (germline): Conflicting classifications of pathogenicity. Review status: criteria provided, conflicting classifications (1 of 4 stars). 2 submissions from 2 submitters: Likely pathogenic (1); Uncertain significance (1). Last evaluated 2026-04-07.

Conditions:
Geleophysic dysplasia 1 (GPHYSD1). Also called: Geleophysic dwarfism. Identifiers: Orphanet 2623, MedGen C3278147, MONDO:0009269, OMIM 231050.

Allele frequency attached by ClinVar (database versions not stated): TOPMed below 0.00001; gnomAD 0.00001; gnomAD exomes 0.00001; ExAC 0.00002.
gnomAD v4.1: 5 of 1,613,616 alleles (0.00031%); highest among the groups gnomAD compares: Non-Finnish European, 0.00042%; no homozygotes.

Submissions (2):

Clinical Genetics and Genomics, Karolinska University Hospital
Classification: Likely pathogenic for Geleophysic dysplasia 1. Last evaluated: 2026-04-07. Review status: criteria provided, single submitter. Criteria: ACMG Guidelines, 2015. Collection method: clinical testing. Allele origin: germline. Affected: yes.
Comment: The variant is absent or in very low frequency in gnomAD (PM2) and predicted deleterious (PP3). There is another entry in ClinVar for this variant (Variation ID: 930268).

Centre for Mendelian Genomics, University Medical Centre Ljubljana
Classification: Uncertain significance for Geleophysic dysplasia 1. Last evaluated: 2020-03-12. Review status: criteria provided, single submitter. Criteria: ACMG Guidelines, 2015. Collection method: clinical testing. Allele origin: unknown. Affected: yes.
Comment: This variant was classified as: Uncertain significance. The available evidence favors the pathogenic nature of this variant, however the currently available data is insufficient to conclusively support its pathogenic nature. Thus this variant is classified as Uncertain significance - favor pathogenic. The following ACMG criteria were applied in classifying this variant: PM2,PP3,PP5.

NM_014694.4(ADAMTSL2):c.475C>T (p.Arg159Trp)

Gene: ADAMTSL2 (ADAMTS like 2; plus strand). Cytogenetic location: 9q34.2.
Variant type: single nucleotide variant.
Coding change: c.475C>T on transcript NM_014694.4 (MANE Select); coding-DNA position 475, C replaced by T.
Protein change: p.Arg159Trp; replaces arginine 159 with tryptophan.
Molecular consequence: missense variant.
Genome position (GRCh38, 1-based): chr9:133,540,660, C>T. VCF-style: chr9-133540660-C-T. GRCh37 (hg19) VCF-style: chr9-136405782-C-T.
Other names: c.475C>T, p.Arg159Trp (NM_001145320.2); short protein forms R159W.
Identifiers: ClinVar variation 930268 (VCV000930268.4), dbSNP rs776178041, ClinGen allele CA5312629.